The following is an entry in ClinVar:

NM_003239.5(TGFB3):c.443G>A (p.Arg148Gln)

Gene: TGFB3 (transforming growth factor beta 3; minus strand). Cytogenetic location: 14q24.3.
Variant type: single nucleotide variant.
Coding change: c.443G>A on transcript NM_003239.5 (MANE Select); coding-DNA position 443, G replaced by A.
Protein change: p.Arg148Gln; replaces arginine 148 with glutamine.
Molecular consequence: missense variant.
Genome position (GRCh38, 1-based): chr14:75,971,628, C>T on the plus strand (G>A on the coding strand, the complement: TGFB3 is on the minus strand). VCF-style: chr14-75971628-C-T. GRCh37 (hg19) VCF-style: chr14-76437971-C-T.
Other names: c.443G>A, p.Arg148Gln (NM_001329938.2, NM_001329939.2); c.443G>A (NM_003239.2); short protein forms R148Q.
Identifiers: ClinVar variation 1803262 (VCV001803262.7), dbSNP rs776388495, ClinGen allele CA7280445.

ClinVar aggregate classification (germline): Uncertain significance. Review status: criteria provided, multiple submitters, no conflicts (2 of 4 stars). 4 submissions from 4 submitters: Uncertain significance (4). Last evaluated 2025-07-21.

Conditions:
Rienhoff syndrome. Also called: LOEYS-DIETZ SYNDROME 5. Identifiers: MedGen C3810012, MONDO:0014262, OMIM 615582.
Familial thoracic aortic aneurysm and aortic dissection (TAAD). Also called: Thoracic aortic aneurysms and dissections. Identifiers: Orphanet 91387, MedGen C4707243, MONDO:0019625.

Allele frequency attached by ClinVar (database versions not stated): ExAC 0.00001; gnomAD 0.00001; gnomAD exomes 0.00001 and 0.00002.
gnomAD v4.1: 26 of 1,614,076 alleles (0.0016%); highest among the groups gnomAD compares: East Asian, 0.0022%; no homozygotes.

Submissions (4):

Ambry Genetics
Classification: Uncertain significance for Familial thoracic aortic aneurysm and aortic dissection. Last evaluated: 2025-07-21. Review status: criteria provided, single submitter. Criteria: Ambry Variant Classification Scheme 2023. Collection method: clinical testing. Allele origin: germline.
Comment: The p.R148Q variant (also known as c.443G>A), located in coding exon 2 of the TGFB3 gene, results from a G to A substitution at nucleotide position 443. The arginine at codon 148 is replaced by glutamine, an amino acid with highly similar properties. This amino acid position is conserved. In addition, this alteration is predicted to be deleterious by in silico analysis. Based on the available evidence, the clinical significance of this variant remains unclear.

Labcorp Genetics (formerly Invitae), Labcorp
Classification: Uncertain significance for Rienhoff syndrome. Last evaluated: 2024-12-10. Review status: criteria provided, single submitter. Criteria: Invitae Variant Classification Sherloc (09022015). Collection method: clinical testing. Allele origin: germline.
Comment: This sequence change replaces arginine, which is basic and polar, with glutamine, which is neutral and polar, at codon 148 of the TGFB3 protein (p.Arg148Gln). This variant is present in population databases (rs776388495, gnomAD 0.009%). This variant has not been reported in the literature in individuals affected with TGFB3-related conditions. ClinVar contains an entry for this variant (Variation ID: 1803262). Invitae Evidence Modeling of protein sequence and biophysical properties (such as structural, functional, and spatial information, amino acid conservation, physicochemical variation, residue mobility, and thermodynamic stability) indicates that this missense variant is not expected to disrupt TGFB3 protein function with a negative predictive value of 80%. In summary, the available evidence is currently insufficient to determine the role of this variant in disease. Therefore, it has been classified as a Variant of Uncertain Significance.

Blueprint Genetics
Classification: Uncertain significance. Last evaluated: 2022-01-10. Review status: criteria provided, single submitter. Criteria: ACMG Guidelines, 2015. Collection method: clinical testing. Allele origin: germline.

Genetics and Molecular Pathology, SA Pathology
Classification: Uncertain significance for Familial thoracic aortic aneurysm and aortic dissection. Last evaluated: 2021-09-06. Review status: criteria provided, single submitter. Criteria: ACMG Guidelines, 2015. Collection method: clinical testing. Allele origin: germline. Affected: yes.